The following is an entry in ClinVar:

NM_018975.4(TERF2IP):c.178G>A (p.Gly60Arg)

Gene: TERF2IP (TERF2 interacting protein; plus strand). Cytogenetic location: 16q23.1.
Variant type: single nucleotide variant.
Coding change: c.178G>A on transcript NM_018975.4 (MANE Select); coding-DNA position 178, G replaced by A.
Protein change: p.Gly60Arg; replaces glycine 60 with arginine.
Molecular consequence: missense variant. On other transcripts: non-coding transcript variant (1).
Genome position (GRCh38, 1-based): chr16:75,648,060, G>A. VCF-style: chr16-75648060-G-A. GRCh37 (hg19) VCF-style: chr16-75681958-G-A.
Other names: short protein forms G60R.
Identifiers: ClinVar variation 2447505 (VCV002447505.5), dbSNP rs201689771, ClinGen allele CA8177950.

ClinVar aggregate classification (germline): Conflicting classifications of pathogenicity. Review status: criteria provided, conflicting classifications (1 of 4 stars). 2 submissions from 2 submitters: Uncertain significance (1); Likely benign (1). Last evaluated 2025-11-03.

Allele frequency attached by ClinVar (database versions not stated): TOPMed 0.00019; 1000 Genomes Project 0.00060; ExAC 0.00030; gnomAD 0.00008; 1000 Genomes Project 30x 0.00047.
gnomAD v4.1: 170 of 1,593,764 alleles (0.011%); highest among the groups gnomAD compares: East Asian, 0.34%; 2 homozygotes.

Submissions (2):

Labcorp Genetics (formerly Invitae), Labcorp
Classification: Likely benign. Last evaluated: 2025-11-03. Review status: criteria provided, single submitter. Criteria: Invitae Variant Classification Sherloc (09022015). Collection method: clinical testing. Allele origin: germline.

Ambry Genetics
Classification: Uncertain significance. Last evaluated: 2023-01-22. Review status: criteria provided, single submitter. Criteria: Ambry Variant Classification Scheme 2023. Collection method: clinical testing. Allele origin: germline.
Comment: The p.G60R variant (also known as c.178G>A), located in coding exon 1 of the TERF2IP gene, results from a G to A substitution at nucleotide position 178. The glycine at codon 60 is replaced by arginine, an amino acid with dissimilar properties. This amino acid position is conserved. In addition, this alteration is predicted to be tolerated by in silico analysis. Since supporting evidence is limited at this time, the clinical significance of this alteration remains unclear.